The following is an entry in ClinVar:

NM_005732.4(RAD50):c.603G>C (p.Gln201His)

Gene: RAD50 (RAD50 double strand break repair protein; plus strand). Cytogenetic location: 5q31.1.
Variant type: single nucleotide variant.
Coding change: c.603G>C on transcript NM_005732.4 (MANE Select); coding-DNA position 603, G replaced by C.
Protein change: p.Gln201His; replaces glutamine 201 with histidine.
Molecular consequence: missense variant.
Genome position (GRCh38, 1-based): chr5:132,579,913, G>C. VCF-style: chr5-132579913-G-C. GRCh37 (hg19) VCF-style: chr5-131915605-G-C.
Other names: short protein forms Q201H.
Identifiers: ClinVar variation 3312314 (VCV003312314.1).

ClinVar aggregate classification (germline): Uncertain significance (1 of 4 stars; one submission).

Conditions:
Hereditary cancer-predisposing syndrome. Also called: Neoplastic Syndromes, Hereditary; Tumor predisposition; Hereditary neoplastic syndrome; Hereditary Cancer Syndrome. Identifiers: Orphanet 140162, MedGen C0027672, MeSH D009386, MONDO:0015356.

Submission:

Ambry Genetics
Classification: Uncertain significance for Hereditary cancer-predisposing syndrome. Last evaluated: 2024-04-25. Review status: criteria provided, single submitter. Criteria: Ambry Variant Classification Scheme 2023. Collection method: clinical testing. Allele origin: germline.
Comment: The p.Q201H variant (also known as c.603G>C), located in coding exon 5 of the RAD50 gene, results from a G to C substitution at nucleotide position 603. The glutamine at codon 201 is replaced by histidine, an amino acid with highly similar properties. This amino acid position is conserved. In addition, this alteration is predicted to be tolerated by in silico analysis. Based on the available evidence, the clinical significance of this variant remains unclear.